The following is an entry in ClinVar:

NM_020778.5(ALPK3):c.3817+124C>T

Gene: ALPK3 (alpha kinase 3; plus strand). Cytogenetic location: 15q25.3.
Variant type: single nucleotide variant.
Coding change: c.3817+124C>T on transcript NM_020778.5 (MANE Select); 124 bases into the intron after coding-DNA position 3817, C replaced by T.
Molecular consequence: intron variant.
Genome position (GRCh38, 1-based): chr15:84,858,679, C>T. VCF-style: chr15-84858679-C-T. GRCh37 (hg19) VCF-style: chr15-85401910-C-T.
Identifiers: ClinVar variation 679464 (VCV000679464.2), dbSNP rs114929985, ClinGen allele CA14185218.

ClinVar aggregate classification (germline): Likely benign. Review status: criteria provided, multiple submitters, no conflicts (2 of 4 stars). 2 submissions from 2 submitters: Likely benign (2). Last evaluated 2018-06-14.

Allele frequency attached by ClinVar (database versions not stated): gnomAD 0.00904 and 0.00962; TOPMed 0.00999; 1000 Genomes Project 0.01338; 1000 Genomes Project 30x 0.01374.
gnomAD v4.1: 2,387 of 1,385,636 alleles (0.17%); highest among the groups gnomAD compares: African/African-American, 3.2%; 48 homozygotes.

Submissions (2):

GeneDx
Classification: Likely benign. Last evaluated: 2018-06-14. Review status: criteria provided, single submitter. Criteria: GeneDx Variant Classification (06012015). Collection method: clinical testing. Allele origin: germline. Affected: yes.
Comment: This variant is considered likely benign or benign based on one or more of the following criteria: it is a conservative change, it occurs at a poorly conserved position in the protein, it is predicted to be benign by multiple in silico algorithms, and/or has population frequency not consistent with disease.

Breakthrough Genomics
Classification: Likely benign. Review status: criteria provided, single submitter. Criteria: ACMG Guidelines, 2015. Collection method: not provided. Allele origin: germline. Inheritance: Autosomal recessive inheritance. Affected: yes.